The following is an entry in ClinVar:

NM_139318.5(KCNH5):c.1680C>A (p.Arg560=)

Gene: KCNH5 (potassium voltage-gated channel subfamily H member 5; minus strand). Cytogenetic location: 14q23.2.
Variant type: single nucleotide variant.
Coding change: c.1680C>A on transcript NM_139318.5 (MANE Select); coding-DNA position 1680, C replaced by A.
Protein change: p.Arg560=; no amino-acid change (arginine 560 retained).
Molecular consequence: synonymous variant.
Genome position (GRCh38, 1-based): chr14:62,802,471, G>T on the plus strand (C>A on the coding strand, the complement: KCNH5 is on the minus strand). VCF-style: chr14-62802471-G-T. GRCh37 (hg19) VCF-style: chr14-63269189-G-T.
Other names: c.1680C>A, p.Arg560= (NM_172375.3).
Identifiers: ClinVar variation 416120 (VCV000416120.23), dbSNP rs114074278, ClinGen allele CA7217422.

ClinVar aggregate classification (germline): Benign/Likely benign. Review status: criteria provided, multiple submitters, no conflicts (2 of 4 stars). 5 submissions from 5 submitters: Benign (3); Likely benign (1). 1 of the submissions does not count toward it. Last evaluated 2026-05-01.

Conditions:
Early-infantile DEE. Also called: Early infantile epileptic encephalopathy with suppression bursts; Early infantile epileptic encephalopathy; Ohtahara syndrome. Identifiers: Orphanet 1934, MedGen C0393706, MONDO:0800491.
KCNH5-related disorder. Also called: KCNH5-related condition.

Allele frequency attached by ClinVar (database versions not stated): 1000 Genomes Project 30x 0.00094; 1000 Genomes Project 0.00100; ESP Exome Variant Server 0.00223; TOPMed 0.00241.
gnomAD v4.1: 5,588 of 1,614,090 alleles (0.35%); highest among the groups gnomAD compares: Non-Finnish European, 0.43%; 14 homozygotes.

Submissions (5):

CeGaT Center for Human Genetics Tuebingen
Classification: Benign. Last evaluated: 2026-05-01. Review status: criteria provided, single submitter. Criteria: CeGaT Center For Human Genetics Tuebingen Variant Classification Criteria Version 2. Collection method: clinical testing. Allele origin: germline. Affected: yes. Observed: 5 variant alleles.
Comment: KCNH5: BP4, BP7, BS1, BS2

Labcorp Genetics (formerly Invitae), Labcorp
Classification: Benign for Early-infantile DEE. Last evaluated: 2026-02-02. Review status: criteria provided, single submitter. Criteria: Invitae Variant Classification Sherloc (09022015). Collection method: clinical testing. Allele origin: germline.

Blueprint Genetics
Classification: Likely benign. Last evaluated: 2024-11-26. Review status: criteria provided, single submitter. Criteria: ACMG Guidelines, 2015. Collection method: clinical testing. Allele origin: germline.

Breakthrough Genomics
Classification: Benign. Review status: criteria provided, single submitter. Criteria: ACMG Guidelines, 2015. Collection method: not provided. Allele origin: germline. Inheritance: Unknown mechanism. Affected: yes.

PreventionGenetics, part of Exact Sciences
Classification: Likely benign for KCNH5-related condition. Last evaluated: 2019-10-11. Review status: no assertion criteria provided. Collection method: clinical testing. Allele origin: germline. Not counted in ClinVar's aggregate classification.
Comment: This variant is classified as likely benign based on ACMG/AMP sequence variant interpretation guidelines (Richards et al. 2015 PMID: 25741868, with internal and published modifications).